The following is an entry in ClinVar:

ClinVar aggregate classification (germline): Pathogenic (1 of 4 stars; one submission).

Conditions:
Hereditary spastic paraplegia 11. Also called: SPASTIC PARAPLEGIA, AUTOSOMAL RECESSIVE, COMPLICATED, WITH THIN CORPUS CALLOSUM; SPASTIC PARAPLEGIA, AUTOSOMAL RECESSIVE, WITH MENTAL IMPAIRMENT AND THIN CORPUS CALLOSUM; Nakamura Osame syndrome; Autosomal recessive hereditary spastic paraplegia, mental impairment, and thin corpus callosum; Spastic paraplegia, mental retardation and thin corpus callosum; Spastic Paraplegia 11. Identifiers: Orphanet 2822, MedGen C1858479, MONDO:0011445, OMIM 604360.

Submission:

Labcorp Genetics (formerly Invitae), Labcorp
Classification: Pathogenic for Hereditary spastic paraplegia 11. Last evaluated: 2016-06-26. Review status: criteria provided, single submitter. Criteria: Invitae Variant Classification Sherloc (09022015). Collection method: clinical testing. Allele origin: germline.
Comment: For these reasons, this variant has been classified as Pathogenic. While this particular variant has not been reported in the literature, loss-of-function variants in SPG11 are known to be pathogenic (PMID: 18079167, 22237444). This variant is a gross duplication of the genomic region encompassing exons 8-28 of the SPG11 gene. While the exact position of the duplicated exons cannot be determined from this data, the duplicated copy of this region is likely in tandem and may result in an absent or disrupted protein product.

Literature cited by the submitters: PubMed 18079167; PubMed 22237444.

NC_000015.9:g.(?_44881444)_(44925841_?)dup

Gene: SPG11 (SPG11 vesicle trafficking associated, spatacsin; minus strand). Cytogenetic location: 15q21.1.
Variant type: Duplication.
Identifiers: ClinVar variation 1074118 (VCV001074118.7).